The following is an entry in ClinVar:

NM_001972.4(ELANE):c.597+1G>A

Gene: ELANE (elastase, neutrophil expressed; plus strand). Cytogenetic location: 19p13.3.
Variant type: single nucleotide variant.
Coding change: c.597+1G>A on transcript NM_001972.4 (MANE Select); the canonical splice donor site of the intron after coding-DNA position 597, G replaced by A.
Molecular consequence: splice donor variant.
Genome position (GRCh38, 1-based): chr19:855,795, G>A. VCF-style: chr19-855795-G-A. GRCh37 (hg19) VCF-style: chr19-855795-G-A.
Other names: IVS4DS, G-A, +1.
Identifiers: ClinVar variation 242287 (VCV000242287.31), dbSNP rs1555710005, ClinGen allele CA10583966.

ClinVar aggregate classification (germline): Pathogenic. Review status: criteria provided, multiple submitters, no conflicts (2 of 4 stars). 11 submissions from 11 submitters: Pathogenic (7). 4 of the submissions do not count toward it. Last evaluated 2025-05-14.

Conditions:
Cyclical neutropenia. Also called: Cyclic Neutropenia; Cyclic hematopoiesis. Identifiers: Orphanet 2686, MedGen C0221023, MONDO:0008090, OMIM 162800, HP:0040289. Disease mechanism: loss of function.
Neutropenia, severe congenital, 1, autosomal dominant. Identifiers: MedGen C1859966, MONDO:0042490, OMIM 202700.
ELANE-related disorders.
ELANE-related disorder. Also called: ELANE-related condition.

Allele frequency attached by ClinVar (database versions not stated): gnomAD exomes below 0.00001.

Submissions (11):

Variantyx, Inc.
Classification: Pathogenic for Cyclical neutropenia. Last evaluated: 2025-05-14. Review status: criteria provided, single submitter. Criteria: Variantyx Assertion Criteria 2022. Collection method: clinical testing. Allele origin: germline. Inheritance: Autosomal dominant inheritance. Affected: yes.
Comment: This is a canonical splicing variant in the ELANE gene (OMIM: 130130). Pathogenic variants in this gene have been associated with autosomal dominant cyclic neutropenia. This variant results in the use of a cryptic splice-donor site 30 bases upstream, causing an inframe deletion of the last 10 amino acid residues from exon 4 of the ELANE protein (PM4). This variant has been reported in many unrelated affected individuals (PMID: 34340247, 39052144, 34573280, 30171085, 24616599) (PS4_Very_Strong). The variant has a 0.0001% maximum allele frequency in non-founder control populations (PM2). Based on the current evidence, this variant is classified as pathogenic for autosomal dominant cyclic neutropenia.This variant was reported by previous genetic testing.

GeneDx
Classification: Pathogenic. Last evaluated: 2025-05-12. Review status: criteria provided, single submitter. Criteria: GeneDx Variant Classification Process June 2021. Collection method: clinical testing. Allele origin: germline. Affected: yes.
Comment: Observed heterozygous in multiple patients with severe neutropenia or cyclic neutropenia in published literature (PMID: 11675333, 11001877, 10581030, 14962902, 16079102); Observed homozygous in one individual with cyclic neutropenia in published literature (PMID: 30171085); Canonical splice site variant expected to result in aberrant splicing, although in the absence of functional evidence the actual effect of this sequence change is unknown.; Not observed at significant frequency in large population cohorts (gnomAD); This variant is associated with the following publications: (PMID: 34340247, 25525159, 10581030, 24616599, 23463630, 11001877, 14962902, 16079102, 34573280, 11675333, 30171085)

Women's Health and Genetics/Laboratory Corporation of America, LabCorp
Classification: Pathogenic for Neutropenia, severe congenital, 1, autosomal dominant. Last evaluated: 2025-04-28. Review status: criteria provided, single submitter. Criteria: LabCorp Variant Classification Summary - May 2015. Collection method: clinical testing. Allele origin: germline.
Comment: Variant summary: ELANE c.597+1G>A is located in a canonical splice-site and is predicted to affect mRNA splicing resulting in a significantly altered protein due to either exon skipping, shortening, or inclusion of intronic material. Variants that disrupt the consensus splice site are a relatively common cause of aberrant splicing, however current evidence is not sufficient to establish loss of function as a mechanism for disease. Several computational tools predict a significant impact on normal splicing: Three predict the variant abolishes a 5' splicing donor site. At least one publication reports experimental evidence that this variant affects mRNA splicing (Horwitz_1999, Rotulo_2021). The variant was absent in 243866 control chromosomes. c.597+1G>A has been observed in multiple individuals affected with Neutropenia, severe congenital, 1, autosomal dominant (Horwitz_1999). These data indicate that the variant is very likely to be associated with disease. The following publications have been ascertained in the context of this evaluation (PMID: 10581030, 34340247). ClinVar contains an entry for this variant (Variation ID: 242287). Based on the evidence outlined above, the variant was classified as pathogenic.

Labcorp Genetics (formerly Invitae), Labcorp
Classification: Pathogenic for Neutropenia, severe congenital, 1, autosomal dominant; Cyclical neutropenia. Last evaluated: 2025-02-25. Review status: criteria provided, single submitter. Criteria: Invitae Variant Classification Sherloc (09022015). Collection method: clinical testing. Allele origin: germline.
Comment: This sequence change falls in intron 4 of the ELANE gene. It does not directly change the encoded amino acid sequence of the ELANE protein. RNA analysis indicates that this variant induces altered splicing and likely results in the loss of 10 amino acid residue(s), but is expected to preserve the integrity of the reading-frame. This variant is not present in population databases (gnomAD no frequency). This variant has been observed in individual(s) with severe congenital neutropenia (PMID: 10581030, 23463630, 24616599). In at least one individual the variant was observed to be de novo. It has also been observed to segregate with disease in related individuals. ClinVar contains an entry for this variant (Variation ID: 242287). Variants that disrupt the consensus splice site are a relatively common cause of aberrant splicing (PMID: 17576681, 9536098). Studies have shown that this variant results in the activation of a cryptic splice site in exon 4 (PMID: 10581030, 23463630). For these reasons, this variant has been classified as Pathogenic.

Intergen Genetics and Rare Diseases Diagnosis Center
Classification: Pathogenic for Neutropenia, severe congenital, 1, autosomal dominant. Last evaluated: 2023-06-09. Review status: criteria provided, single submitter. Criteria: ACMG Guidelines, 2015. Collection method: clinical testing. Allele origin: maternal. Inheritance: Autosomal dominant inheritance. Affected: yes. Observed: 1 heterozygote.

Blueprint Genetics
Classification: Pathogenic for ELANE-related disorders. Last evaluated: 2021-08-10. Review status: criteria provided, single submitter. Criteria: ACMG Guidelines, 2015. Collection method: clinical testing. Allele origin: germline. Affected: yes. Observed: 2 variant alleles.

Genetic Services Laboratory, University of Chicago
Classification: Pathogenic. Last evaluated: 2020-07-17. Review status: criteria provided, single submitter. Criteria: ACMG Guidelines, 2015. Collection method: clinical testing. Allele origin: germline. Affected: yes.
Comment: DNA sequence analysis of the ELANE gene demonstrated a sequence change in the canonical splice donor site of intron 4, c.597+1G>A. This sequence change is absent from large population databases such as ExAC and gnomAD (rs878855318). This sequence change is predicted to affect normal splicing of the ELANE gene and result in an abnormal protein. This variant has been previously described in multiple patients with cyclic neutropenia and severe congenital neutropenia (PMIDs: 10581030, 23463630, and 30171085). It has also been described in a family with severe congenital neutropenia; family members presented with different degrees of the disease severity (PMID: 24616599). RT-PCR analysis of patients' cDNA harboring this variant demonstrated that this sequence change results in the use of a cryptic splice-donor site 30 bases upstream, causing an in-frame deletion of the last 10 amino acid residues from exon 4 (PMID: 10581030).

Laboratory of Immunopathology and Genetics, Medical Laboratory of Pediatric Oncology and Hematology, Central Clinical Hospital of the Medical University of Lodz
Classification: Pathogenic for Neutropenia, severe congenital, 1, autosomal dominant. Last evaluated: 2024-12-01. Review status: no assertion criteria provided. Collection method: clinical testing. Allele origin: germline. Affected: yes. Observed: 3 variant alleles. Not counted in ClinVar's aggregate classification.

PreventionGenetics, part of Exact Sciences
Classification: Pathogenic for ELANE-related condition. Last evaluated: 2023-11-09. Review status: no assertion criteria provided. Collection method: clinical testing. Allele origin: germline. Not counted in ClinVar's aggregate classification.
Comment: The ELANE c.597+1G>A variant is predicted to disrupt the GT donor site and interfere with normal splicing. This variant has been reported in several families with neutropenia and is known to result in an altered mRNA transcript (Horwitz et al. 1999. PubMed ID: 10581030; Germeshausen et al. 2013. PubMed ID: 23463630; Arun et al. 2018. PubMed ID: 30171085). Similar variants affecting the same splice site, located between exons 4 and 5 of the ELANE gene, have also been reported to cause neutropenia (Kurnikova et al. 2011. PubMed ID: 21425445). This variant has not been reported in a large population database, indicating this variant is rare. Variants that disrupt the consensus splice donor site in ELANE are expected to be pathogenic. This variant is interpreted as pathogenic.

UOSD Laboratory of Genetics & Genomics of Rare Diseases, Istituto Giannina Gaslini
Classification: Pathogenic for Neutropenia, severe congenital, 1, autosomal dominant. Last evaluated: 2020-05-21. Review status: no assertion criteria provided. Collection method: clinical testing. Allele origin: germline. Affected: yes. Observed: 1 variant allele. Not counted in ClinVar's aggregate classification.

OMIM
Classification: Pathogenic for CYCLIC NEUTROPENIA. Last evaluated: 1999-12-01. Review status: no assertion criteria provided. Collection method: literature only. Allele origin: germline. Not counted in ClinVar's aggregate classification.

Literature cited by the submitters: PubMed 34340247 (cited by Variantyx, Inc. and Women's Health and Genetics/Laboratory Corporation of America, LabCorp); PubMed 39052144 (cited by Variantyx, Inc.); PubMed 34573280 (cited by Variantyx, Inc.); PubMed 30171085 (cited by Variantyx, Inc.); PubMed 24616599 (cited by Variantyx, Inc. and Labcorp Genetics (formerly Invitae), Labcorp); PubMed 10581030 (cited by 5 submitters); PubMed 23463630 (cited by Labcorp Genetics (formerly Invitae), Labcorp); PubMed 17576681 (cited by Labcorp Genetics (formerly Invitae), Labcorp); PubMed 9536098 (cited by Labcorp Genetics (formerly Invitae), Labcorp).